The following is an entry in ClinVar:

NC_012920.1(MT-ND5):m.13886T>C

Gene: MT-ND5 (mitochondrially encoded NADH dehydrogenase 5; plus strand).
Variant type: single nucleotide variant.
Genome position: chrM-13886-T-C.
Identifiers: ClinVar variation 693627 (VCV000693627.1), dbSNP rs28359182, ClinGen allele CA337099844.

ClinVar aggregate classification (germline): Benign (1 of 4 stars; one submission).

Conditions:
Leigh syndrome (NULS). Also called: Leigh's necrotizing encephalopathy; Leigh's disease; Leigh's syndrome; LEIGH SYNDROME, NUCLEAR; Leigh Syndrome (mtDNA deletion); Leigh Disease. Identifiers: Orphanet 506, MedGen C2931891, MONDO:0009723, OMIM 256000.

Submission:

Wong Mito Lab, Molecular and Human Genetics, Baylor College of Medicine
Classification: Benign for Leigh syndrome. Last evaluated: 2019-10-17. Review status: criteria provided, single submitter. Criteria: Modified ACMG Guidelines (Unpublished). Collection method: clinical testing. Allele origin: germline.
Comment: The NC_012920.1:m.13886T>C (YP_003024036.1:p.Leu517Pro) variant in MTND5 gene is interpretated to be a Benign variant based on the modified ACMG guidelines (unpublished). This variant meets the following evidence codes: BA1